The following is an entry in ClinVar:

NM_001080449.3(DNA2):c.27G>A (p.Leu9=)

Gene: DNA2 (DNA replication helicase/nuclease 2; minus strand). Cytogenetic location: 10q21.3.
Variant type: single nucleotide variant.
Coding change: c.27G>A on transcript NM_001080449.3 (MANE Select); coding-DNA position 27, G replaced by A.
Protein change: p.Leu9=; no amino-acid change (leucine 9 retained).
Molecular consequence: synonymous variant. On other transcripts: non-coding transcript variant (1).
Genome position (GRCh38, 1-based): chr10:68,471,838, C>T on the plus strand (G>A on the coding strand, the complement: DNA2 is on the minus strand). VCF-style: chr10-68471838-C-T. GRCh37 (hg19) VCF-style: chr10-70231595-C-T.
Identifiers: ClinVar variation 1314425 (VCV001314425.13), dbSNP rs1211027535, ClinGen allele CA469798266.
Genomic context (GRCh38, chr10:68,471,838, plus strand): 5'-CCTCTCCGCTCACAGCTCCGCCGGCAGCTCCGCCTCCTCCCAAAAACTCTTCTCCATCAG[C>T]AGCTCCAGTTCGTTCAGCTGCTCCATCCTGGACGCGGGGATCGCAAACTGTAGACAGAAA-3'
Protein context (NP_001073918.2, residues 1-19): MEQLNELE[Leu9=]LMEKSFWEEA

ClinVar aggregate classification (germline): Conflicting classifications of pathogenicity. Review status: criteria provided, conflicting classifications (1 of 4 stars). 3 submissions from 3 submitters: Uncertain significance (1); Likely benign (2). Last evaluated 2025-03-01.

Allele frequency attached by ClinVar (database versions not stated): gnomAD exomes below 0.00001 and 0.00001.
gnomAD v4.1: 3 of 1,612,766 alleles (0.00019%); highest among the groups gnomAD compares: Admixed American, 0.005%; no homozygotes.

Submissions (3):

CeGaT Center for Human Genetics Tuebingen
Classification: Likely benign. Last evaluated: 2025-03-01. Review status: criteria provided, single submitter. Criteria: CeGaT Center For Human Genetics Tuebingen Variant Classification Criteria Version 2. Collection method: clinical testing. Allele origin: germline. Affected: yes. Observed: 1 variant allele.
Comment: DNA2: BP4, BP7

Labcorp Genetics (formerly Invitae), Labcorp
Classification: Likely benign. Last evaluated: 2024-11-17. Review status: criteria provided, single submitter. Criteria: Invitae Variant Classification Sherloc (09022015). Collection method: clinical testing. Allele origin: germline.

GeneDx
Classification: Uncertain significance. Last evaluated: 2021-04-07. Review status: criteria provided, single submitter. Criteria: GeneDx Variant Classification Process June 2021. Collection method: clinical testing. Allele origin: germline. Affected: yes.
Comment: Not observed at a significant frequency in large population cohorts (Lek et al., 2016); In silico analysis supports that this variant does not alter splicing; Has not been previously published as pathogenic or benign to our knowledge